The following is an entry in ClinVar:

ClinVar aggregate classification (germline): Pathogenic/Likely pathogenic. Review status: criteria provided, multiple submitters, no conflicts (2 of 4 stars). 4 submissions from 4 submitters: Pathogenic (3); Likely pathogenic (1). Last evaluated 2025-10-01.

Conditions:
USH2A-related disorder. Also called: USH2A-related condition; USH2A-related disorders. Identifiers: MedGen CN239332.
Retinitis pigmentosa 39 (RP39). Identifiers: Orphanet 791, MedGen C3151138, MONDO:0013436, OMIM 613809.

Allele frequency attached by ClinVar (database versions not stated): gnomAD exomes below 0.00001; TOPMed below 0.00001.
gnomAD v4.1: 2 of 1,613,058 alleles (0.00012%); highest among the groups gnomAD compares: South Asian, 0.0022%; no homozygotes.

Submissions (4):

Labcorp Genetics (formerly Invitae), Labcorp
Classification: Pathogenic. Last evaluated: 2025-10-01. Review status: criteria provided, single submitter. Criteria: Invitae Variant Classification Sherloc (09022015). Collection method: clinical testing. Allele origin: germline.
Comment: This sequence change creates a premature translational stop signal (p.Ser33*) in the USH2A gene. It is expected to result in an absent or disrupted protein product. Loss-of-function variants in USH2A are known to be pathogenic (PMID: 10729113, 10909849, 20507924, 25649381). This variant is not present in population databases (gnomAD no frequency). This variant has not been reported in the literature in individuals affected with USH2A-related conditions. ClinVar contains an entry for this variant (Variation ID: 865905). For these reasons, this variant has been classified as Pathogenic.

Genome-Nilou Lab
Classification: Pathogenic for Retinitis pigmentosa 39. Last evaluated: 2023-11-04. Review status: criteria provided, single submitter. Criteria: ACMG Guidelines, 2015. Collection method: clinical testing. Allele origin: germline. Affected: no.

Baylor Genetics
Classification: Likely pathogenic for Retinitis pigmentosa 39. Last evaluated: 2022-09-04. Review status: criteria provided, single submitter. Criteria: ACMG Guidelines, 2015. Collection method: clinical testing. Allele origin: unknown.

Blueprint Genetics
Classification: Pathogenic for USH2A-related disorders. Last evaluated: 2019-03-28. Review status: criteria provided, single submitter. Criteria: ACMG Guidelines, 2015. Collection method: clinical testing. Allele origin: germline. Affected: yes. Observed: 3 variant alleles.

Literature cited by the submitters: PubMed 10729113 (cited by Labcorp Genetics (formerly Invitae), Labcorp); PubMed 10909849 (cited by Labcorp Genetics (formerly Invitae), Labcorp); PubMed 20507924 (cited by Labcorp Genetics (formerly Invitae), Labcorp); PubMed 25649381 (cited by Labcorp Genetics (formerly Invitae), Labcorp).

NM_206933.4(USH2A):c.98C>A (p.Ser33Ter)

Gene: USH2A (usherin; minus strand). Cytogenetic location: 1q41.
Variant type: single nucleotide variant.
Coding change: c.98C>A on transcript NM_206933.4 (MANE Select); coding-DNA position 98, C replaced by A.
Protein change: p.Ser33Ter; replaces serine 33 with a stop codon.
Molecular consequence: nonsense.
Genome position (GRCh38, 1-based): chr1:216,422,239, G>T on the plus strand (C>A on the coding strand, the complement: USH2A is on the minus strand). VCF-style: chr1-216422239-G-T. GRCh37 (hg19) VCF-style: chr1-216595581-G-T.
Other names: c.98C>A, p.Ser33Ter (NM_007123.6); short protein forms S33*.
Identifiers: ClinVar variation 865905 (VCV000865905.9), dbSNP rs2039690812, ClinGen allele CA344905026.